The following is an entry in ClinVar:

ClinVar aggregate classification (germline): Conflicting classifications of pathogenicity. Review status: criteria provided, conflicting classifications (1 of 4 stars). 2 submissions from 2 submitters: Uncertain significance (1); Likely benign (1). Last evaluated 2023-03-23.

Conditions:
Hereditary cancer-predisposing syndrome. Also called: Neoplastic Syndromes, Hereditary; Hereditary Cancer Syndrome; Hereditary neoplastic syndrome; Tumor predisposition. Identifiers: Orphanet 140162, MedGen C0027672, MeSH D009386, MONDO:0015356.

Submissions (2):

University of Washington Department of Laboratory Medicine, University of Washington
Classification: Likely benign for Hereditary cancer-predisposing syndrome. Last evaluated: 2023-03-23. Review status: criteria provided, single submitter. Criteria: Dines et al. (Genet Med. 2020). Collection method: curation. Allele origin: germline.
Comment: Missense variant in a coldspot region where missense variants are very unlikely to be pathogenic (PMID:31911673).

BRCA2 exon 11 coldspot. Reclassification based on statistical prior probability.

Ambry Genetics
Classification: Uncertain significance for Hereditary cancer-predisposing syndrome. Last evaluated: 2016-03-10. Review status: criteria provided, single submitter. Criteria: Ambry Variant Classification Scheme 2023. Collection method: clinical testing. Allele origin: germline.
Comment: The p.L1521R variant (also known as c.4562T>G), located in coding exon 10 of the BRCA2 gene, results from a T to G substitution at nucleotide position 4562. The leucine at codon 1521 is replaced by arginine, an amino acid with dissimilar properties. This variant was not reported in population based cohorts in the following databases: Database of Single Nucleotide Polymorphisms (dbSNP), NHLBI Exome Sequencing Project (ESP), and 1000 Genomes Project. In the ESP, this variant was not observed in 6501 samples (13002 alleles) with coverage at this position. To date, this alteration has been detected with an allele frequency of approximately 0.0004% (greater than 225000 alleles tested) in our clinical cohort. This amino acid position is poorly conserved in available vertebrate species. In addition, the in silico prediction for this alteration is inconclusive. Since supporting evidence is limited at this time, the clinical significance of this alteration remains unclear.

NM_000059.4(BRCA2):c.4562T>G (p.Leu1521Arg)

Gene: BRCA2 (BRCA2 DNA repair associated; plus strand). Cytogenetic location: 13q13.1.
Variant type: single nucleotide variant.
Coding change: c.4562T>G on transcript NM_000059.4 (MANE Select); coding-DNA position 4562, T replaced by G.
Protein change: p.Leu1521Arg; replaces leucine 1521 with arginine.
Molecular consequence: missense variant.
Genome position (GRCh38, 1-based): chr13:32,338,917, T>G. VCF-style: chr13-32338917-T-G. GRCh37 (hg19) VCF-style: chr13-32913054-T-G.
Other names: short protein forms L1521R.
Identifiers: ClinVar variation 479305 (VCV000479305.7), dbSNP rs1200198184, ClinGen allele CA387781834.